The following is an entry in ClinVar:

ClinVar aggregate classification (germline): Uncertain significance. Review status: criteria provided, multiple submitters, no conflicts (2 of 4 stars). 3 submissions from 3 submitters: Uncertain significance (2). 1 of the submissions does not count toward it. Last evaluated 2022-09-06.

Conditions:
Inborn genetic diseases. Identifiers: MedGen C0950123, MeSH D030342.
KIDINS220-related disorder. Also called: KIDINS220-related condition.

Allele frequency attached by ClinVar (database versions not stated): gnomAD exomes below 0.00001 and 0.00002; gnomAD 0.00003 and 0.00004; TOPMed 0.00003.
gnomAD v4.1: 34 of 1,613,948 alleles (0.0021%); highest among the groups gnomAD compares: Non-Finnish European, 0.0026%; no homozygotes.

Submissions (3):

Ambry Genetics
Classification: Uncertain significance for Inborn genetic diseases. Last evaluated: 2022-09-06. Review status: criteria provided, single submitter. Criteria: Ambry Variant Classification Scheme 2023. Collection method: clinical testing. Allele origin: germline.

Labcorp Genetics (formerly Invitae), Labcorp
Classification: Uncertain significance. Last evaluated: 2022-07-24. Review status: criteria provided, single submitter. Criteria: Invitae Variant Classification Sherloc (09022015). Collection method: clinical testing. Allele origin: germline.
Comment: This variant has not been reported in the literature in individuals affected with KIDINS220-related conditions. In summary, the available evidence is currently insufficient to determine the role of this variant in disease. Therefore, it has been classified as a Variant of Uncertain Significance. Algorithms developed to predict the effect of sequence changes on RNA splicing suggest that this variant may create or strengthen a splice site. Algorithms developed to predict the effect of missense changes on protein structure and function are either unavailable or do not agree on the potential impact of this missense change (SIFT: "Deleterious"; PolyPhen-2: "Not Available"; Align-GVGD: "Class C0"). ClinVar contains an entry for this variant (Variation ID: 1447918). This variant is present in population databases (no rsID available, gnomAD 0.002%). This sequence change replaces threonine, which is neutral and polar, with arginine, which is basic and polar, at codon 1191 of the KIDINS220 protein (p.Thr1191Arg).

PreventionGenetics, part of Exact Sciences
Classification: Uncertain significance for KIDINS220-related condition. Last evaluated: 2023-12-13. Review status: no assertion criteria provided. Collection method: clinical testing. Allele origin: germline. Not counted in ClinVar's aggregate classification.
Comment: The KIDINS220 c.3572C>G variant is predicted to result in the amino acid substitution p.Thr1191Arg. To our knowledge, this variant has not been reported in the literature. This variant is reported in 0.0016% of alleles in individuals of European (Non-Finnish) descent in gnomAD. At this time, the clinical significance of this variant is uncertain due to the absence of conclusive functional and genetic evidence.

NM_020738.4(KIDINS220):c.3572C>G (p.Thr1191Arg)

Gene: KIDINS220 (kinase D interacting substrate 220; minus strand). Cytogenetic location: 2p25.1.
Variant type: single nucleotide variant.
Coding change: c.3572C>G on transcript NM_020738.4 (MANE Select); coding-DNA position 3572, C replaced by G.
Protein change: p.Thr1191Arg; replaces threonine 1191 with arginine.
Molecular consequence: missense variant. On other transcripts: non-coding transcript variant (1), intron variant (11).
Genome position (GRCh38, 1-based): chr2:8,747,158, G>C on the plus strand (C>G on the coding strand, the complement: KIDINS220 is on the minus strand). VCF-style: chr2-8747158-G-C. GRCh37 (hg19) VCF-style: chr2-8887288-G-C.
Other names: c.3572C>G (NM_020738.2); c.3575C>G, p.Thr1192Arg (NM_001348729.2); c.3414+2954C>G (NM_001348741.2, NM_001348742.2, NM_001348743.2 and 1 more transcripts); c.3528+729C>G (NM_001348738.2, NM_001348732.2); c.3417+2954C>G (NM_001348739.2, NM_001348740.2, NM_001348734.2); c.3531+729C>G (NM_001348731.2); c.3288+2954C>G (NM_001348736.2); short protein forms T1192R, T1191R.
Identifiers: ClinVar variation 1447918 (VCV001447918.9), dbSNP rs888064009, ClinGen allele CA42339064.